The following is an entry in ClinVar:

ClinVar aggregate classification (germline): Uncertain significance (1 of 4 stars; one submission).

Conditions:
Hypertrophic cardiomyopathy. Also called: HYPERTROPHIC MYOCARDIOPATHY. Identifiers: Orphanet 217569, MedGen C0007194, MeSH D002312, MONDO:0005045, HP:0001639.

Submission:

All of Us Research Program, National Institutes of Health
Classification: Uncertain significance for Hypertrophic cardiomyopathy. Last evaluated: 2022-12-16. Review status: criteria provided, single submitter. Criteria: ACMG Guidelines, 2015. Collection method: clinical testing. Allele origin: germline. Inheritance: Autosomal dominant inheritance. Observed: 1 variant allele, 1 heterozygote.
Comment: This study involves interpretation of variants in research participants for the purpose of population health screening. Participant phenotype was not available at the time of variant classification. Additional details can be found in publication PMID: 35346344, PMCID: PMC8962531

NM_000257.4(MYH7):c.175_176insGG (p.Val59fs)

Gene: MYH7 (myosin heavy chain 7; minus strand). Cytogenetic location: 14q11.2.
Variant type: Insertion.
Coding change: c.175_176insGG on transcript NM_000257.4 (MANE Select); coding-DNA positions 175 to 176, GG inserted.
Protein change: p.Val59fs; shifts the reading frame from valine 59.
Molecular consequence: frameshift variant.
Genome position: GRCh38 VCF-style: chr14-23433557-A-ACC. GRCh37 (hg19) VCF-style: chr14-23902766-A-ACC.
Other names: c.175_176insGG, p.Val59fs (NM_001407004.1); short protein forms V59fs.
Identifiers: ClinVar variation 3069355 (VCV003069355.1), dbSNP rs2502322162, ClinGen allele CA2624254182.